The following is an entry in ClinVar:

NM_014249.4(NR2E3):c.532dup (p.Ile178fs)

Gene: NR2E3 (nuclear receptor subfamily 2 group E member 3; plus strand). Cytogenetic location: 15q23.
Variant type: Duplication.
Coding change: c.532dup on transcript NM_014249.4 (MANE Select); coding-DNA position 532, one base duplicated (A; older notation c.532dupA).
Protein change: p.Ile178fs; shifts the reading frame from isoleucine 178.
Molecular consequence: frameshift variant.
Genome position (GRCh38, 1-based): chr15:71,812,137, A duplicated. VCF-style (leftmost placement, unchanged base first): chr15-71812136-T-TA. GRCh37 (hg19) VCF-style: chr15-72104476-T-TA.
Other names: c.532dup (NM_014249.3, NM_014249.2); c.532dup, p.Ile178fs (NM_016346.4); short protein forms I178fs.
Identifiers: ClinVar variation 2585341 (VCV002585341.4), dbSNP rs2543254500, ClinGen allele CA2582342621.
Genomic context (GRCh38, chr15:71,812,136, plus strand): 5'-ACGGGGCCCCACACCCATGTCTGCAGCCAGAGCCCTGGGCCACCACTTCATGGCCAGCCT[T>TA]ATAACAGCTGAAACCTGTGCTAAGCTGGAGCCAGAGGATGGTGAGTGGGAGAGCAGCTGA-3'

ClinVar aggregate classification (germline): Likely pathogenic. Review status: criteria provided, multiple submitters, no conflicts (2 of 4 stars). 4 submissions from 4 submitters: Likely pathogenic (4). Last evaluated 2024-11-19.

Conditions:
Enhanced S-cone syndrome (ESCS). Identifiers: Orphanet 53540, MedGen C1849394, MONDO:0100288, MONDO:0009989.
Retinitis pigmentosa 37 (RP37). Identifiers: Orphanet 791, MedGen C1970163, MONDO:0012625, OMIM 611131.

Submissions (4):

Natera, Inc.
Classification: Likely pathogenic for Enhanced S cone syndrome. Last evaluated: 2024-11-19. Review status: criteria provided, single submitter. Criteria: Natera Variant Classification Schema (03/2026). Collection method: clinical testing. Allele origin: germline.
Comment: The c.532dup variant in NR2E3 is a frameshift variant predicted to shift the reading frame beginning at codon 178 and leads to a stop codon 4 codons downstream. This variant is expected to result in nonsense mediated decay, truncation, or a dysfunctional protein product. This variant is rare in the general population with a frequency below the threshold expected for the associated phenotype(s). Given the available evidence, this variant is classified as Likely Pathogenic.

Fulgent Genetics
Classification: Likely pathogenic for ENHANCED S-CONE SYNDROME 1; Retinitis pigmentosa 37. Last evaluated: 2024-04-15. Review status: criteria provided, single submitter. Criteria: ACMG Guidelines, 2015. Collection method: clinical testing. Allele origin: germline.

Baylor Genetics
Classification: Likely pathogenic for ENHANCED S-CONE SYNDROME 1. Last evaluated: 2024-02-13. Review status: criteria provided, single submitter. Criteria: ACMG Guidelines, 2015. Collection method: clinical testing. Allele origin: unknown.

Neuberg Centre For Genomic Medicine, NCGM
Classification: Likely pathogenic for ENHANCED S-CONE SYNDROME 1. Review status: criteria provided, single submitter. Criteria: ACMG Guidelines, 2015. Collection method: clinical testing. Allele origin: germline. Inheritance: Autosomal recessive inheritance. Affected: yes.
Comment: The frameshift variant c.532dup (p.Ile178AsnfsTer4) in NR2E3 gene has not been reported previously as a pathogenic variant nor as a benign variant, to our knowledge. The p.Ile178AsnfsTer4 variant is novel (not in any individuals) in gnomAD Exomes and 1000 Genomes. This variant causes a frameshift starting with codon Isoleucine 178, changes this amino acid to Asparagine residue, and creates a premature Stop codon at position 4 of the new reading frame, denoted p.Ile178AsnfsTer4. For these reasons, this variant has been classified as Likely Pathogenic.